The following is an entry in ClinVar:

NM_000321.3(RB1):c.621A>C (p.Gln207His)

Gene: RB1 (RB transcriptional corepressor 1; plus strand). Cytogenetic location: 13q14.2.
Variant type: single nucleotide variant.
Coding change: c.621A>C on transcript NM_000321.3 (MANE Select); coding-DNA position 621, A replaced by C.
Protein change: p.Gln207His; replaces glutamine 207 with histidine.
Molecular consequence: missense variant.
Genome position (GRCh38, 1-based): chr13:48,360,030, A>C. VCF-style: chr13-48360030-A-C. GRCh37 (hg19) VCF-style: chr13-48934166-A-C.
Other names: short protein forms Q207H.
Identifiers: ClinVar variation 1500945 (VCV001500945.8), dbSNP rs1952625195, ClinGen allele CA388158132.

ClinVar aggregate classification (germline): Uncertain significance (1 of 4 stars; one submission).

Conditions:
Retinoblastoma (RB1). Also called: RETINOBLASTOMA, SOMATIC. Identifiers: Orphanet 790, MedGen C0035335, MeSH D012175, MONDO:0008380, OMIM 180200, HP:0009919. Disease mechanism: loss of function. Inheritance: Both sporadic and heritable forms are tested..

Submission:

Labcorp Genetics (formerly Invitae), Labcorp
Classification: Uncertain significance for Retinoblastoma. Last evaluated: 2021-06-23. Review status: criteria provided, single submitter. Criteria: Invitae Variant Classification Sherloc (09022015). Collection method: clinical testing. Allele origin: germline.
Comment: This sequence change replaces glutamine with histidine at codon 207 of the RB1 protein (p.Gln207His). The glutamine residue is highly conserved and there is a small physicochemical difference between glutamine and histidine. This variant is not present in population databases (ExAC no frequency). This variant has not been reported in the literature in individuals with RB1-related conditions. Algorithms developed to predict the effect of missense changes on protein structure and function are either unavailable or do not agree on the potential impact of this missense change (SIFT: "Deleterious"; PolyPhen-2: "Probably Damaging"; Align-GVGD: "Class C15"). In summary, the available evidence is currently insufficient to determine the role of this variant in disease. Therefore, it has been classified as a Variant of Uncertain Significance.